The following is an entry in ClinVar:

NM_024685.4(BBS10):c.2022_2025del (p.Ser674fs)

Gene: BBS10 (Bardet-Biedl syndrome 10; minus strand). Cytogenetic location: 12q21.2.
Variant type: Deletion.
Coding change: c.2022_2025del on transcript NM_024685.4 (MANE Select); coding-DNA positions 2022 to 2025, 4 bases deleted (TCAG; older notation c.2022_2025delTCAG).
Protein change: p.Ser674fs; shifts the reading frame from serine 674.
Molecular consequence: frameshift variant.
Genome position (GRCh38, 1-based): chr12:76,345,960-76,345,963, CTGA deleted on the plus strand (TCAG on the coding strand, the reverse complement: BBS10 is on the minus strand); deleting any 4 consecutive bases within chr12:76,345,960-76,345,966 gives the same sequence; the c. name uses the placement nearest the transcript's 3' end. VCF-style (leftmost placement, unchanged base first): chr12-76345959-TCTGA-T. GRCh37 (hg19) VCF-style: chr12-76739739-TCTGA-T.
Other names: short protein forms S674fs.
Identifiers: ClinVar variation 5003426 (VCV005003426.1).

ClinVar aggregate classification (germline): Pathogenic (1 of 4 stars; one submission).

Conditions:
Bardet-Biedl syndrome 10 (BBS10). Identifiers: Orphanet 110, MedGen C1859568, MONDO:0014438, OMIM 615987.

Submission:

Myriad Genetics, Inc.
Classification: Pathogenic for Bardet-Biedl syndrome 10. Last evaluated: 2026-03-24. Review status: criteria provided, single submitter. Criteria: Myriad Autosomal Dominant, Autosomal Recessive and X-Linked Classification Criteria (2023). Collection method: clinical testing. Allele origin: unknown.
Comment: NM_024685.3(BBS10):c.2022_2025delTCAG(S674Rfs*7) is a nonsense variant classified as pathogenic in the context of Bardet-Biedl syndrome, BBS10-related. S674Rfs*7 has not been observed in cases with relevant disease. Relevant functional assessments of this variant are not available in the literature. S674Rfs*7 has been observed in referenced population frequency databases. In summary, NM_024685.3(BBS10):c.2022_2025delTCAG(S674Rfs*7) is a nonsense variant in a gene where loss of function is a known mechanism of disease and is predicted to disrupt protein function. Please note: this variant was assessed in the context of healthy population screening.